The following is an entry in ClinVar:

NM_005032.7(PLS3):c.1453G>T (p.Asp485Tyr)

Gene: PLS3 (plastin 3; plus strand). Cytogenetic location: Xq23.
Variant type: single nucleotide variant.
Coding change: c.1453G>T on transcript NM_005032.7 (MANE Select); coding-DNA position 1453, G replaced by T.
Protein change: p.Asp485Tyr; replaces aspartic acid 485 with tyrosine.
Molecular consequence: missense variant.
Genome position (GRCh38, 1-based): chrX:115,646,477, G>T. VCF-style: chrX-115646477-G-T. GRCh37 (hg19) VCF-style: chrX-114880797-G-T.
Other names: c.1453G>T, p.Asp485Tyr (NM_001136025.5); c.1372G>T, p.Asp458Tyr (NM_001172335.3); c.1414G>T, p.Asp472Tyr (NM_001282337.2); c.1318G>T, p.Asp440Tyr (NM_001282338.2); short protein forms D458Y, D440Y, D472Y, D485Y.
Identifiers: ClinVar variation 2041133 (VCV002041133.4), dbSNP rs2521546826, ClinGen allele CA414336025.
Genomic context (GRCh38, chrX:115,646,477, plus strand): 5'-TATGCTGTTGAATTAGGGAAGCATCCTGCTAAATTCTCCCTGGTTGGCATTGGAGGGCAA[G>T]ACCTGAATGATGGGAACCAAACCCTGACTTTAGCTTTAGTCTGGCAGCTGATGAGAAGGT-3'
Protein context (NP_005023.2, residues 475-495): KFSLVGIGGQ[Asp485Tyr]LNDGNQTLTL

ClinVar aggregate classification (germline): Uncertain significance (1 of 4 stars; one submission).

Submission:

Labcorp Genetics (formerly Invitae), Labcorp
Classification: Uncertain significance. Last evaluated: 2022-04-11. Review status: criteria provided, single submitter. Criteria: Invitae Variant Classification Sherloc (09022015). Collection method: clinical testing. Allele origin: germline.
Comment: In summary, the available evidence is currently insufficient to determine the role of this variant in disease. Therefore, it has been classified as a Variant of Uncertain Significance. Algorithms developed to predict the effect of missense changes on protein structure and function (SIFT, PolyPhen-2, Align-GVGD) all suggest that this variant is likely to be disruptive. This variant has not been reported in the literature in individuals affected with PLS3-related conditions. This variant is not present in population databases (gnomAD no frequency). This sequence change replaces aspartic acid, which is acidic and polar, with tyrosine, which is neutral and polar, at codon 485 of the PLS3 protein (p.Asp485Tyr).